The following is an entry in ClinVar:

NM_005257.6(GATA6):c.98C>A (p.Ser33Tyr)

Gene: GATA6 (GATA binding protein 6; plus strand). Cytogenetic location: 18q11.2.
Variant type: single nucleotide variant.
Coding change: c.98C>A on transcript NM_005257.6 (MANE Select); coding-DNA position 98, C replaced by A.
Protein change: p.Ser33Tyr; replaces serine 33 with tyrosine.
Molecular consequence: missense variant.
Genome position (GRCh38, 1-based): chr18:22,171,242, C>A. VCF-style: chr18-22171242-C-A. GRCh37 (hg19) VCF-style: chr18-19751203-C-A.
Other names: short protein forms S33Y.
Identifiers: ClinVar variation 1977718 (VCV001977718.5), dbSNP rs2510625108, ClinGen allele CA401798640.

ClinVar aggregate classification (germline): Uncertain significance (1 of 4 stars; one submission).

Conditions:
Atrioventricular septal defect 5 (AVSD5). Identifiers: MedGen C3280939, MONDO:0013769, OMIM 614474.

gnomAD v4.1: 1 of 1,598,962 alleles (0.000063%); highest among the groups gnomAD compares: Non-Finnish European, 0.000085%; no homozygotes.

Submission:

Labcorp Genetics (formerly Invitae), Labcorp
Classification: Uncertain significance for Atrioventricular septal defect 5. Last evaluated: 2024-05-22. Review status: criteria provided, single submitter. Criteria: Invitae Variant Classification Sherloc (09022015). Collection method: clinical testing. Allele origin: germline.
Comment: This sequence change replaces serine, which is neutral and polar, with tyrosine, which is neutral and polar, at codon 33 of the GATA6 protein (p.Ser33Tyr). This variant is not present in population databases (gnomAD no frequency). This variant has not been reported in the literature in individuals affected with GATA6-related conditions. ClinVar contains an entry for this variant (Variation ID: 1977718). An algorithm developed to predict the effect of missense changes on protein structure and function (PolyPhen-2) suggests that this variant is likely to be disruptive. In summary, the available evidence is currently insufficient to determine the role of this variant in disease. Therefore, it has been classified as a Variant of Uncertain Significance.